The following is an entry in ClinVar:

NM_198253.3(TERT):c.793C>G (p.Pro265Ala)

Gene: TERT (telomerase reverse transcriptase; minus strand). Cytogenetic location: 5p15.33.
Variant type: single nucleotide variant.
Coding change: c.793C>G on transcript NM_198253.3 (MANE Select); coding-DNA position 793, C replaced by G.
Protein change: p.Pro265Ala; replaces proline 265 with alanine.
Molecular consequence: missense variant. On other transcripts: non-coding transcript variant (2).
Genome position (GRCh38, 1-based): chr5:1,294,093, G>C on the plus strand (C>G on the coding strand, the complement: TERT is on the minus strand). VCF-style: chr5-1294093-G-C. GRCh37 (hg19) VCF-style: chr5-1294208-G-C.
Other names: c.793C>G, p.Pro265Ala (NM_001193376.3); short protein forms P265A.
Identifiers: ClinVar variation 4182813 (VCV004182813.1).

ClinVar aggregate classification (germline): Uncertain significance (1 of 4 stars; one submission).

Conditions:
Dyskeratosis congenita. Identifiers: Orphanet 1775, MedGen C0265965, MONDO:0015780.

Submission:

Ambry Genetics
Classification: Uncertain significance for Dyskeratosis congenita. Last evaluated: 2025-08-22. Review status: criteria provided, single submitter. Criteria: Ambry Variant Classification Scheme 2023. Collection method: clinical testing. Allele origin: germline.
Comment: The p.P265A variant (also known as c.793C>G), located in coding exon 2 of the TERT gene, results from a C to G substitution at nucleotide position 793. The proline at codon 265 is replaced by alanine, an amino acid with highly similar properties. This amino acid position is conserved. In addition, this alteration is predicted to be tolerated by in silico analysis. Based on the available evidence, the clinical significance of this variant remains unclear.